The following is an entry in ClinVar:

ClinVar aggregate classification (germline): Uncertain significance (1 of 4 stars; one submission).

gnomAD v4.1: 5 of 1,614,140 alleles (0.00031%); highest among the groups gnomAD compares: Admixed American, 0.0017%; no homozygotes.

Submission:

GeneDx
Classification: Uncertain significance. Last evaluated: 2025-04-12. Review status: criteria provided, single submitter. Criteria: GeneDx Variant Classification Process June 2021. Collection method: clinical testing. Allele origin: germline. Affected: yes.
Comment: In silico analysis supports that this missense variant has a deleterious effect on protein structure/function; Has not been previously published as pathogenic or benign to our knowledge

NM_020134.4(DPYSL5):c.1549C>T (p.Arg517Trp)

Gene: DPYSL5 (dihydropyrimidinase like 5; plus strand). Cytogenetic location: 2p23.3.
Variant type: single nucleotide variant.
Coding change: c.1549C>T on transcript NM_020134.4 (MANE Select); coding-DNA position 1549, C replaced by T.
Protein change: p.Arg517Trp; replaces arginine 517 with tryptophan.
Molecular consequence: missense variant.
Genome position (GRCh38, 1-based): chr2:26,944,764, C>T. VCF-style: chr2-26944764-C-T. GRCh37 (hg19) VCF-style: chr2-27167632-C-T.
Other names: c.1549C>T, p.Arg517Trp (NM_001253723.2, NM_001253724.2); short protein forms R517W.
Identifiers: ClinVar variation 4281992 (VCV004281992.1).